The following is an entry in ClinVar:

ClinVar aggregate classification (germline): Conflicting classifications of pathogenicity. Review status: criteria provided, conflicting classifications (1 of 4 stars). 12 submissions from 11 submitters: Uncertain significance (5); Benign (1); Likely benign (2). 4 of the submissions do not count toward it. Last evaluated 2026-02-01.

Conditions:
IFT140-related disorder. Also called: IFT140-related condition.
Orofacial-digital syndrome III (OFD3). Also called: Orofaciodigital syndrome III; OFDS III; ORAL-FACIAL-DIGITAL SYNDROME, TYPE III; SUGARMAN SYNDROME. Identifiers: Orphanet 2752, MedGen C0406726, MONDO:0009793, OMIM 258850.
Asphyxiating thoracic dystrophy 1 (SRTD1). Also called: SHORT-RIB THORACIC DYSPLASIA 1 WITH OR WITHOUT POLYDACTYLY. Identifiers: Orphanet 474, MedGen C4551856, MONDO:0008831, OMIM 208500.
Inborn genetic diseases. Identifiers: MedGen C0950123, MeSH D030342.
Retinal dystrophy. Also called: Inherited retinal dystrophy. Identifiers: Orphanet 71862, MedGen C0854723, MeSH D058499, MONDO:0019118, HP:0000556.
Saldino-Mainzer syndrome (SRTD9). Also called: CONORENAL SYNDROME; SHORT-RIB THORACIC DYSPLASIA 9 WITHOUT POLYDACTYLY; Renal dysplasia, retinal pigmentary dystrophy, cerebellar ataxia and skeletal dysplasia; short-rib thoracic dysplasia 9 with or without polydactyly. Identifiers: Orphanet 140969, MedGen C1849437, MONDO:0009964, OMIM 266920.

Submissions (12):

Labcorp Genetics (formerly Invitae), Labcorp
Classification: Benign for Saldino-Mainzer syndrome. Last evaluated: 2026-02-01. Review status: criteria provided, single submitter. Criteria: Invitae Variant Classification Sherloc (09022015). Collection method: clinical testing. Allele origin: germline.

GeneDx
Classification: Uncertain significance. Last evaluated: 2025-04-30. Review status: criteria provided, single submitter. Criteria: GeneDx Variant Classification Process June 2021. Collection method: clinical testing. Allele origin: germline. Affected: yes.
Comment: Reported apparently homozygous in individuals with varying phenotypes including nonobstructive azoospermia, retinitis pigmentosa, or multiple congenital anomalies consisting of ventriculomegaly, large head size, narrow chest, synpolydactyly, ventricular septal defect, cleft lip, and echogenic kidneys (PMID: 25956372, 32587456, 27894351, 34645488); In-frame deletion of 2 amino acid(s) in a non-repeat region; In silico analysis supports a deleterious effect on protein structure/function; This variant is associated with the following publications: (PMID: 34426522, 27894351, 25956372, 34645488, 32420686, 32587456, 36550190, 34448047)

PreventionGenetics, part of Exact Sciences
Classification: Likely benign for IFT140-related condition. Last evaluated: 2025-02-07. Review status: criteria provided, single submitter. Criteria: ACMG Guidelines, 2015. Collection method: clinical testing. Allele origin: germline.
Comment: This variant is classified as likely benign based on ACMG/AMP sequence variant interpretation guidelines (Richards et al. 2015 PMID: 25741868, with internal and published modifications).

Women's Health and Genetics/Laboratory Corporation of America, LabCorp
Classification: Uncertain significance. Last evaluated: 2024-12-18. Review status: criteria provided, single submitter. Criteria: LabCorp Variant Classification Summary - May 2015. Collection method: clinical testing. Allele origin: germline.
Comment: Variant summary: IFT140 c.3955_3960delGCCAAG (p.Ala1319_Lys1320del) results in an in-frame deletion that is predicted to remove two amino acids from the encoded protein. The variant allele was found at a frequency of 0.002 in 1607122 control chromosomes in the gnomAD database, including 8 homozygotes, providing evidence for a benign role. However, c.3955_3960delGCCAAG has been reported in the literature in a homozygous stillborn individual affected with Jeune Asphyxiating Thoracic Dystrophy (e.g. Shaheen_2016, Shamseldin_2021) or in individuals affected with retinitis pigmentosa or an unspecified retinal disease as a heterozygous or unreported genotype (e.g. Sergouniotis_2016, AlBdour_2020, Perea-Romero_2021). These report(s) do not provide unequivocal conclusions about association of the variant with Asphyxiating Thoracic Dystrophy 1. To our knowledge, no experimental evidence demonstrating an impact on protein function has been reported. The following publications have been ascertained in the context of this evaluation (PMID: 32587456, 34448047, 27628848, 27894351, 34645488). ClinVar contains an entry for this variant (Variation ID: 266103). Based on the conflicting evidence outlined above, the variant was classified as uncertain significance.

Blueprint Genetics
Classification: Likely benign. Last evaluated: 2024-11-25. Review status: criteria provided, single submitter. Criteria: ACMG Guidelines, 2015. Collection method: clinical testing. Allele origin: germline.

Genomic Medicine Center of Excellence, King Faisal Specialist Hospital and Research Centre
Classification: Uncertain significance for Saldino-Mainzer syndrome. Last evaluated: 2024-04-04. Review status: criteria provided, single submitter. Criteria: ACMG Guidelines, 2015. Collection method: clinical testing. Allele origin: germline.

Ambry Genetics
Classification: Uncertain significance for Inborn genetic diseases. Last evaluated: 2023-12-12. Review status: criteria provided, single submitter. Criteria: Ambry Variant Classification Scheme 2023. Collection method: clinical testing. Allele origin: germline.
Comment: The c.3955_3960delGCCAAG (p.A1319_K1320del) alteration is located in exon 29 (coding exon 27) of the IFT140 gene. This alteration consists of an in-frame deletion of 6 nucleotides between nucleotide positions c.3955 and c.3960, resulting in the deletion of 2 residues. Based on insufficient or conflicting evidence, the clinical significance of this alteration remains unclear.

Institute of Human Genetics, Univ. Regensburg, Univ. Regensburg
Classification: Uncertain significance for Retinal dystrophy. Last evaluated: 2023-01-01. Review status: criteria provided, single submitter. Criteria: ACMG Guidelines, 2015. Collection method: clinical testing. Allele origin: germline. Affected: yes.

Clinical Genetics DNA and cytogenetics Diagnostics Lab, Erasmus MC, Erasmus Medical Center
Classification: Uncertain significance. Review status: no assertion criteria provided. Collection method: clinical testing. Allele origin: germline. Affected: yes. Study: VKGL Data-share Consensus. Not counted in ClinVar's aggregate classification.

Clinical Genetics, Academic Medical Center
Classification: Uncertain significance. Review status: no assertion criteria provided. Collection method: clinical testing. Allele origin: germline. Affected: yes. Study: VKGL Data-share Consensus. Not counted in ClinVar's aggregate classification.

Genomic Medicine Center of Excellence, King Faisal Specialist Hospital and Research Centre
Classification: Likely pathogenic for Short-rib thoracic dysplasia; Oral-facial-digital syndrome. Review status: no assertion criteria provided. Collection method: research. Allele origin: germline. Affected: yes. Observed: 1 homozygote. Not counted in ClinVar's aggregate classification.

Laboratory of Diagnostic Genome Analysis, Leiden University Medical Center (LUMC)
Classification: Uncertain significance. Review status: no assertion criteria provided. Collection method: clinical testing. Allele origin: germline. Affected: yes. Study: VKGL Data-share Consensus. Not counted in ClinVar's aggregate classification.

Literature cited by the submitters: PubMed 27894351 (cited by Women's Health and Genetics/Laboratory Corporation of America, LabCorp and Institute of Human Genetics, Univ. Regensburg, Univ. Regensburg); PubMed 34645488 (cited by 3 submitters); PubMed 27628848 (cited by Women's Health and Genetics/Laboratory Corporation of America, LabCorp); PubMed 34448047 (cited by Women's Health and Genetics/Laboratory Corporation of America, LabCorp and Institute of Human Genetics, Univ. Regensburg, Univ. Regensburg); PubMed 32587456 (cited by Women's Health and Genetics/Laboratory Corporation of America, LabCorp and Ambry Genetics); PubMed 36550190 (cited by Women's Health and Genetics/Laboratory Corporation of America, LabCorp); PubMed 25956372 (cited by Ambry Genetics); PubMed 34426522 (cited by Institute of Human Genetics, Univ. Regensburg, Univ. Regensburg).

NM_014714.4(IFT140):c.3943GCCAAG[2] (p.1315AK[2])

Gene: IFT140 (intraflagellar transport 140; minus strand). Cytogenetic location: 16p13.3.
Variant type: Microsatellite.
Coding change: c.3943GCCAAG[2] on transcript NM_014714.4 (MANE Select); two copies in a row of the 6-base unit GCCAAG starting at c.3943; the reference has three copies in a row; one copy, 6 bases deleted; also written c.3955_3960del.
Protein change: p.1315AK[2].
Molecular consequence: inframe deletion.
Genome position (GRCh38, 1-based): chr16:1,519,961-1,519,966, CTTGGC deleted on the plus strand (GCCAAG on the coding strand, the reverse complement: IFT140 is on the minus strand); deleting any 6 consecutive bases within chr16:1,519,961-1,519,979 gives the same sequence; the position shown is the placement nearest the transcript's 3' end. VCF-style (leftmost placement, unchanged base first): chr16-1519960-TCTTGGC-T. GRCh37 (hg19) VCF-style: chr16-1569961-TCTTGGC-T.
Other names: c.3955_3960del (NM_014714.4); c.3955_3960delGCCAAG (NM_014714.4).
Identifiers: ClinVar variation 266103 (VCV000266103.25), dbSNP rs746697405, ClinGen allele CA7812967.